The following is an entry in ClinVar:

NM_004370.6(COL12A1):c.7377del (p.Val2460fs)

Gene: COL12A1 (collagen type XII alpha 1 chain; minus strand). Cytogenetic location: 6q13.
Variant type: Deletion.
Coding change: c.7377del on transcript NM_004370.6 (MANE Select); coding-DNA position 7377, one base deleted (T; older notation c.7377delT).
Protein change: p.Val2460fs; shifts the reading frame from valine 2460.
Molecular consequence: frameshift variant.
Genome position (GRCh38, 1-based): chr6:75,117,524, A deleted on the plus strand (T on the coding strand, the reverse complement: COL12A1 is on the minus strand). VCF-style (leftmost placement, unchanged base first): chr6-75117523-CA-C. GRCh37 (hg19) VCF-style: chr6-75827239-CA-C.
Other names: c.3885del, p.Val1296fs (NM_080645.3); short protein forms V2460fs, V1296fs.
Identifiers: ClinVar variation 2065481 (VCV002065481.4), dbSNP rs2533191041, ClinGen allele CA2580075803.

ClinVar aggregate classification (germline): Pathogenic (1 of 4 stars; one submission).

Conditions:
Ullrich congenital muscular dystrophy 2 (UCMD2). Identifiers: Orphanet 75840, MedGen C4225314, MONDO:0014654, OMIM 616470.
Bethlem myopathy 2 (BTHLM2). Identifiers: Orphanet 536516, Orphanet 610, MedGen C4225313, MONDO:0034022, OMIM 616471.

Submission:

Labcorp Genetics (formerly Invitae), Labcorp
Classification: Pathogenic for Bethlem myopathy 2; Ullrich congenital muscular dystrophy 2. Last evaluated: 2022-02-17. Review status: criteria provided, single submitter. Criteria: Invitae Variant Classification Sherloc (09022015). Collection method: clinical testing. Allele origin: germline.
Comment: For these reasons, this variant has been classified as Pathogenic. This variant has not been reported in the literature in individuals affected with COL12A1-related conditions. This variant is not present in population databases (gnomAD no frequency). This sequence change creates a premature translational stop signal (p.Val2460Trpfs*70) in the COL12A1 gene. It is expected to result in an absent or disrupted protein product. Loss-of-function variants in COL12A1 are known to be pathogenic (PMID: 24334604, 28973083).

Literature cited by the submitters: PubMed 24334604; PubMed 28973083.